The following is an entry in ClinVar:

NM_005732.4(RAD50):c.1666A>G (p.Lys556Glu)

Gene: RAD50 (RAD50 double strand break repair protein; plus strand). Cytogenetic location: 5q31.1.
Variant type: single nucleotide variant.
Coding change: c.1666A>G on transcript NM_005732.4 (MANE Select); coding-DNA position 1666, A replaced by G.
Protein change: p.Lys556Glu; replaces lysine 556 with glutamic acid.
Molecular consequence: missense variant.
Genome position (GRCh38, 1-based): chr5:132,591,907, A>G. VCF-style: chr5-132591907-A-G. GRCh37 (hg19) VCF-style: chr5-131927599-A-G.
Other names: short protein forms K556E.
Identifiers: ClinVar variation 963055 (VCV000963055.10), dbSNP rs1750706775, ClinGen allele CA360946388.

ClinVar aggregate classification (germline): Uncertain significance (1 of 4 stars; one submission).

Conditions:
Hereditary cancer-predisposing syndrome. Also called: Tumor predisposition; Hereditary neoplastic syndrome; Hereditary Cancer Syndrome; Neoplastic Syndromes, Hereditary. Identifiers: Orphanet 140162, MedGen C0027672, MeSH D009386, MONDO:0015356.

Submission:

Labcorp Genetics (formerly Invitae), Labcorp
Classification: Uncertain significance for Hereditary cancer-predisposing syndrome. Last evaluated: 2019-07-09. Review status: criteria provided, single submitter. Criteria: Invitae Variant Classification Sherloc (09022015). Collection method: clinical testing. Allele origin: germline.
Comment: In summary, the available evidence is currently insufficient to determine the role of this variant in disease. Therefore, it has been classified as a Variant of Uncertain Significance. Algorithms developed to predict the effect of missense changes on protein structure and function are either unavailable or do not agree on the potential impact of this missense change (SIFT: "Deleterious"; PolyPhen-2: "Possibly Damaging"; Align-GVGD: "Class C0"). This variant has not been reported in the literature in individuals with RAD50-related conditions. This variant is not present in population databases (ExAC no frequency). This sequence change replaces lysine with glutamic acid at codon 556 of the RAD50 protein (p.Lys556Glu). The lysine residue is moderately conserved and there is a small physicochemical difference between lysine and glutamic acid.